The following is an entry in ClinVar:

ClinVar aggregate classification (germline): Uncertain significance (1 of 4 stars; one submission).

Submission:

Labcorp Genetics (formerly Invitae), Labcorp
Classification: Uncertain significance. Last evaluated: 2024-04-01. Review status: criteria provided, single submitter. Criteria: Invitae Variant Classification Sherloc (09022015). Collection method: clinical testing. Allele origin: germline.
Comment: This sequence change replaces threonine, which is neutral and polar, with asparagine, which is neutral and polar, at codon 732 of the SI protein (p.Thr732Asn). This variant is not present in population databases (gnomAD no frequency). This variant has not been reported in the literature in individuals affected with SI-related conditions. ClinVar contains an entry for this variant (Variation ID: 1478302). Advanced modeling of protein sequence and biophysical properties (such as structural, functional, and spatial information, amino acid conservation, physicochemical variation, residue mobility, and thermodynamic stability) has been performed at Invitae for this missense variant, however the output from this modeling did not meet the statistical confidence thresholds required to predict the impact of this variant on SI protein function. In summary, the available evidence is currently insufficient to determine the role of this variant in disease. Therefore, it has been classified as a Variant of Uncertain Significance.

NM_001041.4(SI):c.2195C>A (p.Thr732Asn)

Gene: SI (sucrase-isomaltase; minus strand). Cytogenetic location: 3q26.1.
Variant type: single nucleotide variant.
Coding change: c.2195C>A on transcript NM_001041.4 (MANE Select); coding-DNA position 2195, C replaced by A.
Protein change: p.Thr732Asn; replaces threonine 732 with asparagine.
Molecular consequence: missense variant.
Genome position (GRCh38, 1-based): chr3:165,039,936, G>T on the plus strand (C>A on the coding strand, the complement: SI is on the minus strand). VCF-style: chr3-165039936-G-T. GRCh37 (hg19) VCF-style: chr3-164757724-G-T.
Other names: short protein forms T732N.
Identifiers: ClinVar variation 1478302 (VCV001478302.6), dbSNP rs772060606, ClinGen allele CA355049508.